The following is an entry in ClinVar:

ClinVar aggregate classification (germline): Uncertain significance (1 of 4 stars; one submission).

Conditions:
Neuropathy, hereditary sensory and autonomic, type 1C. Also called: HSAN IC; HSN IC. Identifiers: Orphanet 36386, MedGen C3150896, MONDO:0013337, OMIM 613640.

Submission:

Labcorp Genetics (formerly Invitae), Labcorp
Classification: Uncertain significance for Neuropathy, hereditary sensory and autonomic, type 1C. Last evaluated: 2024-06-28. Review status: criteria provided, single submitter. Criteria: Invitae Variant Classification Sherloc (09022015). Collection method: clinical testing. Allele origin: germline.
Comment: This sequence change creates a premature translational stop signal (p.Pro354Alafs*10) in the SPTLC2 gene. It is expected to result in an absent or disrupted protein product. However, the current clinical and genetic evidence is not sufficient to establish whether loss-of-function variants in SPTLC2 cause disease. This variant is not present in population databases (gnomAD no frequency). This variant has not been reported in the literature in individuals affected with SPTLC2-related conditions. In summary, the available evidence is currently insufficient to determine the role of this variant in disease. Therefore, it has been classified as a Variant of Uncertain Significance.

NM_004863.4(SPTLC2):c.1059_1089del (p.Pro354fs)

Gene: SPTLC2 (serine palmitoyltransferase long chain base subunit 2; minus strand). Cytogenetic location: 14q24.3.
Variant type: Deletion.
Coding change: c.1059_1089del on transcript NM_004863.4 (MANE Select); coding-DNA positions 1059 to 1089, 31 bases deleted.
Protein change: p.Pro354fs; shifts the reading frame from proline 354.
Molecular consequence: frameshift variant.
Genome position (GRCh38, 1-based): chr14:77,555,387-77,555,417, 31 bases deleted. GRCh37 (hg19): chr14:78,021,730-78,021,760.
Other names: short protein forms P354fs.
Identifiers: ClinVar variation 3658096 (VCV003658096.2).
Genomic context (GRCh38, chr14:77,555,386, plus strand): 5'-AAGCACCAAAACTCTTTGTGAACGTTCCCATCATAACATCCACATCCTCGGGATCCAGGC[CAAAGTACTCCACCACACCCCGGCCTGTGGGG>C]CCCAGGGCGCCAATGCTGTGAGCCTCATCCAGATACAAGTATGCCTTGTATTTCTTCTTG-3'